The following is an entry in ClinVar:

ClinVar aggregate classification (germline): Pathogenic (1 of 4 stars; one submission).

Submission:

GeneDx
Classification: Pathogenic. Last evaluated: 2017-11-28. Review status: criteria provided, single submitter. Criteria: GeneDx Variant Classification (06012015). Collection method: clinical testing. Allele origin: germline. Affected: yes.
Comment: The E609X variant in the ZEB2 gene has been reported previously in an individual with Mowat-Wilson syndrome (Yamada et al., 2014). This variant is predicted to cause loss of normal protein function either through protein truncation or nonsense-mediated mRNA decay. The E609X variant is not observed in large population cohorts (Lek et al., 2016). We interpret E609X as a pathogenic variant.

NM_014795.4(ZEB2):c.1825G>T (p.Glu609Ter)

Gene: ZEB2 (zinc finger E-box binding homeobox 2; minus strand). Cytogenetic location: 2q22.3.
Variant type: single nucleotide variant.
Coding change: c.1825G>T on transcript NM_014795.4 (MANE Select); coding-DNA position 1825, G replaced by T.
Protein change: p.Glu609Ter; replaces glutamic acid 609 with a stop codon.
Molecular consequence: nonsense.
Genome position (GRCh38, 1-based): chr2:144,399,362, C>A on the plus strand (G>T on the coding strand, the complement: ZEB2 is on the minus strand). VCF-style: chr2-144399362-C-A. GRCh37 (hg19) VCF-style: chr2-145156929-C-A.
Other names: c.1753G>T, p.Glu585Ter (NM_001171653.2); short protein forms E609*, E585*.
Identifiers: ClinVar variation 488801 (VCV000488801.1), dbSNP rs1553961655, ClinGen allele CA348710091.